The following is an entry in ClinVar:

ClinVar aggregate classification (germline): Likely pathogenic. Review status: criteria provided, multiple submitters, no conflicts (2 of 4 stars). 2 submissions from 2 submitters: Likely pathogenic (2). Last evaluated 2024-03-01.

Conditions:
Primary dilated cardiomyopathy (DCM). Also called: Dilated Cardiomyopathy. Identifiers: Orphanet 217604, MedGen C0007193, MeSH D002311, MONDO:0005021, HP:0001644. Inheritance: Various modes of inheritance.
Cardiomyopathy (CMYO). Also called: Cardiomyopathies. Identifiers: Orphanet 167848, MedGen C0878544, MONDO:0004994, HP:0001638. Inheritance: Various modes of inheritance.

Submissions (2):

Lildballe Lab, Aarhus University Hospital
Classification: Likely pathogenic for dilated cardiomyopathy. Last evaluated: 2024-03-01. Review status: criteria provided, single submitter. Criteria: ACMG Guidelines, 2015. Collection method: research. Allele origin: germline. Affected: yes.
Comment: PVS1(vs), PM2(sup)

CHEO Genetics Diagnostic Laboratory, Children's Hospital of Eastern Ontario
Classification: Likely pathogenic for Cardiomyopathy. Last evaluated: 2022-04-08. Review status: criteria provided, single submitter. Criteria: ACMG Guidelines, 2015. Collection method: clinical testing. Allele origin: germline.

Literature cited by the submitters: PubMed 25741934 (cited by Lildballe Lab, Aarhus University Hospital); PubMed 39481677 (cited by Lildballe Lab, Aarhus University Hospital).

NM_001267550.2(TTN):c.68357del (p.Asn22786fs)

Genes: TTN (titin; minus strand), TTN-AS1 (TTN antisense RNA 1; plus strand). Cytogenetic location: 2q31.2.
Variant type: Deletion.
Coding change: c.68357del on transcript NM_001267550.2 (MANE Select); coding-DNA position 68357, one base deleted (A; older notation c.68357delA).
Protein change: p.Asn22786fs; shifts the reading frame from asparagine 22786.
Molecular consequence: frameshift variant.
Genome position (GRCh38, 1-based): chr2:178,578,158, T deleted on the plus strand (A on the coding strand, the reverse complement: TTN is on the minus strand); the first of 3 consecutive T bases (chr2:178,578,158-178,578,160); deleting any one gives the same sequence. VCF-style (leftmost placement, unchanged base first): chr2-178578157-GT-G. GRCh37 (hg19) VCF-style: chr2-179442884-GT-G.
Other names: c.63434del, p.Asn21145fs (NM_001256850.1); c.41162del, p.Asn13721fs (NM_003319.4); c.60653del, p.Asn20218fs (NM_133378.4); c.41537del, p.Asn13846fs (NM_133432.3); c.41738del, p.Asn13913fs (NM_133437.4); short protein forms N13721fs, N13846fs, N13913fs, N20218fs, N21145fs, N22786fs.
Identifiers: ClinVar variation 2442826 (VCV002442826.3), dbSNP rs2468817188, ClinGen allele CA2580064594.
Genomic context (GRCh38, chr2:178,578,157, plus strand): 5'-TGTCACTTTAAAGTCTCTCATCCTTATCGGAGTCTTGTTAGCTCTCTTCCACAAAAGGCT[GT>G]TTCTTTCCTTGAACTCGAGATGATACCCTACAAAAGACCCAGGGATGTATCAAGTATAAA-3'